The following is an entry in ClinVar:

NM_004360.5(CDH1):c.982G>A (p.Val328Met)

Gene: CDH1 (cadherin 1; plus strand). Cytogenetic location: 16q22.1.
Variant type: single nucleotide variant.
Coding change: c.982G>A on transcript NM_004360.5 (MANE Select); coding-DNA position 982, G replaced by A.
Protein change: p.Val328Met; replaces valine 328 with methionine.
Molecular consequence: missense variant. On other transcripts: 5 prime UTR variant (2).
Genome position (GRCh38, 1-based): chr16:68,811,833, G>A. VCF-style: chr16-68811833-G-A. GRCh37 (hg19) VCF-style: chr16-68845736-G-A.
Other names: c.982G>A (LRG_301t1); c.982G>A, p.Val328Met (NM_001317184.2); c.-634G>A (NM_001317185.2); c.-838G>A (NM_001317186.2); short protein forms V328M.
Identifiers: ClinVar variation 186460 (VCV000186460.15), dbSNP rs754228872, ClinGen allele CA194888.

ClinVar aggregate classification (germline): Uncertain significance. Review status: criteria provided, multiple submitters, no conflicts (2 of 4 stars). 5 submissions from 5 submitters: Uncertain significance (5). Last evaluated 2025-09-30.

Conditions:
Familial cancer of breast. Also called: BREAST CANCER, FAMILIAL; Hereditary breast cancer; hereditary breast carcinoma. Identifiers: Orphanet 227535, MedGen C0346153, MONDO:0016419, OMIM 114480. Disease mechanism: loss of function.
Hereditary cancer-predisposing syndrome. Also called: Hereditary Cancer Syndrome; Neoplastic Syndromes, Hereditary; Tumor predisposition; Hereditary neoplastic syndrome. Identifiers: Orphanet 140162, MedGen C0027672, MeSH D009386, MONDO:0015356.
Hereditary diffuse gastric adenocarcinoma (HDGC). Also called: DIFFUSE GASTRIC AND LOBULAR BREAST CANCER SYNDROME. Identifiers: Orphanet 26106, MedGen C1708349, MONDO:0007648, OMIM 137215.

Allele frequency attached by ClinVar (database versions not stated): gnomAD exomes below 0.00001; ExAC 0.00001.
gnomAD v4.1: 1 of 1,614,186 alleles (0.000062%); highest among the groups gnomAD compares: Admixed American, 0.0017%; no homozygotes.

Submissions (5):

Labcorp Genetics (formerly Invitae), Labcorp
Classification: Uncertain significance for Hereditary diffuse gastric adenocarcinoma. Last evaluated: 2025-09-30. Review status: criteria provided, single submitter. Criteria: Invitae Variant Classification Sherloc (09022015). Collection method: clinical testing. Allele origin: germline.
Comment: This sequence change replaces valine, which is neutral and non-polar, with methionine, which is neutral and non-polar, at codon 328 of the CDH1 protein (p.Val328Met). This variant is present in population databases (rs754228872, gnomAD 0.003%). This variant has not been reported in the literature in individuals affected with CDH1-related conditions. ClinVar contains an entry for this variant (Variation ID: 186460). An algorithm developed to predict the effect of missense changes on protein structure and function (PolyPhen-2) suggests that this variant is likely to be disruptive. In summary, the available evidence is currently insufficient to determine the role of this variant in disease. Therefore, it has been classified as a Variant of Uncertain Significance.

Ambry Genetics
Classification: Uncertain significance for Hereditary cancer-predisposing syndrome. Last evaluated: 2024-02-08. Review status: criteria provided, single submitter. Criteria: Ambry Variant Classification Scheme 2023. Collection method: clinical testing. Allele origin: germline.
Comment: The p.V328M variant (also known as c.982G>A), located in coding exon 7 of the CDH1 gene, results from a G to A substitution at nucleotide position 982. The valine at codon 328 is replaced by methionine, an amino acid with highly similar properties. This amino acid position is well conserved in available vertebrate species. In addition, the in silico prediction for this alteration is inconclusive. Based on the available evidence, the clinical significance of this alteration remains unclear.

Baylor Genetics
Classification: Uncertain significance for Familial cancer of breast. Last evaluated: 2024-02-05. Review status: criteria provided, single submitter. Criteria: ACMG Guidelines, 2015. Collection method: clinical testing. Allele origin: unknown.

Color Diagnostics, LLC DBA Color Health
Classification: Uncertain significance for Hereditary cancer-predisposing syndrome. Last evaluated: 2023-05-31. Review status: criteria provided, single submitter. Criteria: ACMG Guidelines, 2015. Collection method: clinical testing. Allele origin: germline.
Comment: This missense variant replaces valine with methionine at codon 328 of the CDH1 protein. To our knowledge, functional studies have not been reported for this variant. This variant has not been reported in individuals affected with CDH1-related disorders in the literature. This variant has been identified in 1/251360 chromosomes in the general population by the Genome Aggregation Database (gnomAD). The available evidence is insufficient to determine the role of this variant in disease conclusively. Therefore, this variant is classified as a Variant of Uncertain Significance.

GeneDx
Classification: Uncertain significance. Last evaluated: 2015-02-16. Review status: criteria provided, single submitter. Criteria: GeneDx Variant Classification (06012015). Collection method: clinical testing. Allele origin: germline. Affected: yes.
Comment: This variant is denoted CDH1 c.982G>A at the cDNA level, p.Val328Met (V328M) at the protein level, and results in the change of a Valine to a Methionine (GTG>ATG). This variant has not, to our knowledge, been published in the literature as pathogenic or benign. CDH1 Val328Met was not observed in approximately 6,500 individuals of European and African American ancestry in the NHLBI Exome Sequencing Project, indicating it is not a common benign variant in these populations. Since Valine and Methionine share similar properties, this is considered a conservative amino acid substitution. CDH1 Val328Met occurs at a position that is conserved across species and is located in the cadherin 2 domain (UniProt). In silico analyses predict that this variant is probably damaging to protein structure and function. Based on currently available information, it is unclear whether CDH1 Val328Met is pathogenic or benign. We consider it to be a variant of uncertain significance.